The following is an entry in ClinVar:

NM_001846.4(COL4A2):c.3431C>T (p.Pro1144Leu)

Gene: COL4A2 (collagen type IV alpha 2 chain; plus strand). Cytogenetic location: 13q34.
Variant type: single nucleotide variant.
Coding change: c.3431C>T on transcript NM_001846.4 (MANE Select); coding-DNA position 3431, C replaced by T.
Protein change: p.Pro1144Leu; replaces proline 1144 with leucine.
Molecular consequence: missense variant.
Genome position (GRCh38, 1-based): chr13:110,491,317, C>T. VCF-style: chr13-110491317-C-T. GRCh37 (hg19) VCF-style: chr13-111143664-C-T.
Other names: short protein forms P1144L.
Identifiers: ClinVar variation 1492534 (VCV001492534.8), dbSNP rs1407273074, ClinGen allele CA388731886.
Genomic context (GRCh38, chr13:110,491,317, plus strand): 5'-AGGGAACAGAAGGTGACATCGGCTTCCCTGGGATAACAGGCGTGACTGGAGTCCAAGGCC[C>T]TCCTGGACTTAAAGGACAAACAGGTAAAATCTCCCGCAGCCACACAGCCTTCCTCAGGCA-3'
Protein context (NP_001837.2, residues 1134-1154): GITGVTGVQG[Pro1144Leu]PGLKGQTGFP

ClinVar aggregate classification (germline): Uncertain significance (1 of 4 stars; one submission).

Allele frequency attached by ClinVar (database versions not stated): TOPMed below 0.00001; gnomAD 0.00001; gnomAD exomes 0.00001.
gnomAD v4.1: 6 of 1,591,322 alleles (0.00038%); highest among the groups gnomAD compares: Non-Finnish European, 0.00051%; no homozygotes.

Submission:

Labcorp Genetics (formerly Invitae), Labcorp
Classification: Uncertain significance. Last evaluated: 2024-10-16. Review status: criteria provided, single submitter. Criteria: Invitae Variant Classification Sherloc (09022015). Collection method: clinical testing. Allele origin: germline.
Comment: This sequence change replaces proline, which is neutral and non-polar, with leucine, which is neutral and non-polar, at codon 1144 of the COL4A2 protein (p.Pro1144Leu). This variant is present in population databases (no rsID available, gnomAD 0.003%). This variant has not been reported in the literature in individuals affected with COL4A2-related conditions. ClinVar contains an entry for this variant (Variation ID: 1492534). Invitae Evidence Modeling of protein sequence and biophysical properties (such as structural, functional, and spatial information, amino acid conservation, physicochemical variation, residue mobility, and thermodynamic stability) indicates that this missense variant is not expected to disrupt COL4A2 protein function with a negative predictive value of 95%. In summary, the available evidence is currently insufficient to determine the role of this variant in disease. Therefore, it has been classified as a Variant of Uncertain Significance.